The following is an entry in ClinVar:

NM_182894.3(VSX2):c.134C>T (p.Pro45Leu)

Gene: VSX2 (visual system homeobox 2; plus strand). Cytogenetic location: 14q24.3.
Variant type: single nucleotide variant.
Coding change: c.134C>T on transcript NM_182894.3 (MANE Select); coding-DNA position 134, C replaced by T.
Protein change: p.Pro45Leu; replaces proline 45 with leucine.
Molecular consequence: missense variant.
Genome position (GRCh38, 1-based): chr14:74,239,695, C>T. VCF-style: chr14-74239695-C-T. GRCh37 (hg19) VCF-style: chr14-74706398-C-T.
Other names: c.134C>T (NM_182894.2); short protein forms P45L.
Identifiers: ClinVar variation 2047453 (VCV002047453.2), dbSNP rs998945152, ClinGen allele CA263536721.

ClinVar aggregate classification (germline): Uncertain significance. Review status: criteria provided, multiple submitters, no conflicts (2 of 4 stars). 2 submissions from 2 submitters: Uncertain significance (2). Last evaluated 2024-03-01.

Conditions:
Inborn genetic diseases. Identifiers: MedGen C0950123, MeSH D030342.
Isolated microphthalmia 2. Identifiers: Orphanet 2542, MedGen C1864720, MONDO:0012409, OMIM 610093.

Allele frequency attached by ClinVar (database versions not stated): TOPMed 0.00003.
gnomAD v4.1: 16 of 1,549,734 alleles (0.001%); highest among the groups gnomAD compares: African/African-American, 0.015%; no homozygotes.

Submissions (2):

Ambry Genetics
Classification: Uncertain significance for Inborn genetic diseases. Last evaluated: 2024-03-01. Review status: criteria provided, single submitter. Criteria: Ambry Variant Classification Scheme 2023. Collection method: clinical testing. Allele origin: germline.

Labcorp Genetics (formerly Invitae), Labcorp
Classification: Uncertain significance for Isolated microphthalmia 2. Last evaluated: 2021-12-20. Review status: criteria provided, single submitter. Criteria: Invitae Variant Classification Sherloc (09022015). Collection method: clinical testing. Allele origin: germline.
Comment: This sequence change replaces proline, which is neutral and non-polar, with leucine, which is neutral and non-polar, at codon 45 of the VSX2 protein (p.Pro45Leu). This variant is present in population databases (no rsID available, gnomAD 0.05%). This variant has not been reported in the literature in individuals affected with VSX2-related conditions. Algorithms developed to predict the effect of missense changes on protein structure and function are either unavailable or do not agree on the potential impact of this missense change (SIFT: "Deleterious"; PolyPhen-2: "Benign"; Align-GVGD: "Class C35"). In summary, the available evidence is currently insufficient to determine the role of this variant in disease. Therefore, it has been classified as a Variant of Uncertain Significance.